The following is an entry in ClinVar:

NM_033402.5(LRRCC1):c.188A>G (p.His63Arg)

Gene: LRRCC1 (leucine rich repeat and coiled-coil centrosomal protein 1; plus strand). Cytogenetic location: 8q21.2.
Variant type: single nucleotide variant.
Coding change: c.188A>G on transcript NM_033402.5 (MANE Select); coding-DNA position 188, A replaced by G.
Protein change: p.His63Arg; replaces histidine 63 with arginine.
Molecular consequence: missense variant. On other transcripts: 5 prime UTR variant (1), intron variant (3).
Genome position (GRCh38, 1-based): chr8:85,109,678, A>G. VCF-style: chr8-85109678-A-G. GRCh37 (hg19) VCF-style: chr8-86021913-A-G.
Other names: c.-324A>G (NM_001349638.2); c.-158-437A>G (NM_001349637.2); c.32-437A>G (NM_001349636.2); c.-247-437A>G (NM_001349639.2); short protein forms H63R.
Identifiers: ClinVar variation 2059403 (VCV002059403.4), dbSNP rs200588342, ClinGen allele CA4794317.
Genomic context (GRCh38, chr8:85,109,678, plus strand): 5'-CAACTCTTCATGCCGTCAATCTTCATTGCAATAACATCTCCAAGATCGAAGCCATTGATC[A>G]TATTTGGAATTTACAACATCTAGATCTGTCATCTAATCAAATAAGTAGAATTGAAGGACT-3'
Protein context (NP_208325.3, residues 53-73): NNISKIEAID[His63Arg]IWNLQHLDLS

ClinVar aggregate classification (germline): Uncertain significance (1 of 4 stars; one submission).

Allele frequency attached by ClinVar (database versions not stated): gnomAD exomes 0.00141; 1000 Genomes Project 30x 0.00031; 1000 Genomes Project 0.00040; gnomAD 0.00086; TOPMed 0.00090; ExAC 0.00091; ESP Exome Variant Server 0.00101.
gnomAD v4.1: 2,169 of 1,610,276 alleles (0.13%); highest among the groups gnomAD compares: Non-Finnish European, 0.17%; no homozygotes.

Submission:

Labcorp Genetics (formerly Invitae), Labcorp
Classification: Uncertain significance. Last evaluated: 2025-08-11. Review status: criteria provided, single submitter. Criteria: Invitae Variant Classification Sherloc (09022015). Collection method: clinical testing. Allele origin: germline.
Comment: This sequence change replaces histidine, which is basic and polar, with arginine, which is basic and polar, at codon 63 of the LRRCC1 protein (p.His63Arg). This variant is present in population databases (rs200588342, gnomAD 0.2%), and has an allele count higher than expected for a pathogenic variant. This variant has not been reported in the literature in individuals affected with LRRCC1-related conditions. ClinVar contains an entry for this variant (Variation ID: 2059403). An algorithm developed to predict the effect of missense changes on protein structure and function (PolyPhen-2) suggests that this variant is likely to be tolerated. In summary, the available evidence is currently insufficient to determine the role of this variant in disease. Therefore, it has been classified as a Variant of Uncertain Significance.